The following is an entry in ClinVar:

NM_005060.4(RORC):c.40+752C>A

Gene: RORC (RAR related orphan receptor C; minus strand). Cytogenetic location: 1q21.3.
Variant type: single nucleotide variant.
Coding change: c.40+752C>A on transcript NM_005060.4 (MANE Select); 752 bases into the intron after coding-DNA position 40, C replaced by A.
Molecular consequence: intron variant.
Genome position (GRCh38, 1-based): chr1:151,830,973, G>T on the plus strand (C>A on the coding strand, the complement: RORC is on the minus strand). VCF-style: chr1-151830973-G-T. GRCh37 (hg19) VCF-style: chr1-151803449-G-T.
Identifiers: ClinVar variation 2628195 (VCV002628195.2), dbSNP rs80223568, ClinGen allele CA1096052.
Genomic context (GRCh38, chr1:151,830,973, plus strand): 5'-GCTCCCCTTGCTCACCCAGGCAGCCAGTTCTTCCTCCACCAGGTGGCCCTGGAGCTTGGT[G>T]GCTCTGGCCCTCAAACTTTCCTCCTCCATGCTCACAGCTGACCAAGCCTGTGGCCCTGCG-3'

ClinVar aggregate classification (germline): Benign (1 of 4 stars; one submission).

Allele frequency attached by ClinVar (database versions not stated): TOPMed 0.22849; gnomAD 0.23692; 1000 Genomes Project 30x 0.24407; 1000 Genomes Project 0.25459; gnomAD exomes 0.29919; ExAC 0.39049.
gnomAD v4.1: 376,620 of 1,288,984 alleles (29%); highest among the groups gnomAD compares: East Asian, 45%; 59,029 homozygotes.

Submission:

Unidad de Genómica Garrahan, Hospital de Pediatría Garrahan
Classification: Benign. Last evaluated: 2023-11-12. Review status: criteria provided, single submitter. Criteria: ACMG Guidelines, 2015. Collection method: clinical testing. Allele origin: germline. Affected: no. Observed: 43 variant alleles.
Comment: This variant is classified as Benign based on local population frequency. This variant was detected in 45% of patients studied by a panel of primary immunodeficiencies. Number of patients: 43. Only high quality variants are reported.